The following is an entry in ClinVar:

NM_015915.5(ATL1):c.1206C>A (p.Phe402Leu)

Gene: ATL1 (atlastin GTPase 1; plus strand). Cytogenetic location: 14q22.1.
Variant type: single nucleotide variant.
Coding change: c.1206C>A on transcript NM_015915.5 (MANE Select); coding-DNA position 1206, C replaced by A.
Protein change: p.Phe402Leu; replaces phenylalanine 402 with leucine.
Molecular consequence: missense variant.
Genome position (GRCh38, 1-based): chr14:50,628,117, C>A. VCF-style: chr14-50628117-C-A. GRCh37 (hg19) VCF-style: chr14-51094835-C-A.
Other names: c.1206C>A, p.Phe402Leu (NM_001127713.1, NM_181598.4); short protein forms F402L.
Identifiers: ClinVar variation 560958 (VCV000560958.2), dbSNP rs1566735714, ClinGen allele CA389675722.
Genomic context (GRCh38, chr14:50,628,117, plus strand): 5'-GGCCCCAAATGACTTGCAGACCAAACACCTGCAACTTAAGGAAGAATCTGTGAAGCTATT[C>A]CGAGGGGTGAAGAAGATGGGTGGGGAAGAATTTAGCCGGCGTTACCTGCAGCAGTTGGAG-3'
Protein context (NP_056999.2, residues 392-412): LQLKEESVKL[Phe402Leu]RGVKKMGGEE

ClinVar aggregate classification (germline): Uncertain significance (1 of 4 stars; one submission).

Conditions:
Hereditary spastic paraplegia 3A (SPG3A). Also called: SPASTIC PARAPLEGIA 3, AUTOSOMAL DOMINANT; FAMILIAL SPASTIC PARAPLEGIA, AUTOSOMAL DOMINANT, 1; SPG3; STRUMPELL DISEASE; Spastic Paraplegia 3A; Spastic paraplegia 3A, autosomal dominant. Identifiers: Orphanet 100984, MedGen C2931355, MONDO:0008437, OMIM 182600.

Submission:

Baylor Genetics
Classification: Uncertain significance for Hereditary spastic paraplegia 3A. Last evaluated: 2017-09-01. Review status: criteria provided, single submitter. Criteria: ACMG Guidelines, 2015. Collection method: clinical testing. Allele origin: de novo. Inheritance: Autosomal dominant inheritance. Affected: yes.
Comment: At time of reporting, this missense mutation was novel.

Literature cited by the submitters: PubMed 25326635.